The following is an entry in ClinVar:

NM_025009.5(CEP135):c.473-1G>C

Gene: CEP135 (centrosomal protein 135; plus strand). Cytogenetic location: 4q12.
Variant type: single nucleotide variant.
Coding change: c.473-1G>C on transcript NM_025009.5 (MANE Select); the canonical splice acceptor site of the intron before coding-DNA position 473, G replaced by C.
Molecular consequence: splice acceptor variant.
Genome position (GRCh38, 1-based): chr4:55,957,222, G>C. VCF-style: chr4-55957222-G-C. GRCh37 (hg19) VCF-style: chr4-56823388-G-C.
Identifiers: ClinVar variation 3336667 (VCV003336667.2).

ClinVar aggregate classification (germline): Likely pathogenic. Review status: criteria provided, multiple submitters, no conflicts (2 of 4 stars). 2 submissions from 2 submitters: Likely pathogenic (2). Last evaluated 2023-02-05.

Conditions:
Microcephaly 8, primary, autosomal recessive. Identifiers: Orphanet 2512, MedGen C3553414, MONDO:0013849, OMIM 614673.

gnomAD v4.1: 7 of 1,610,572 alleles (0.00043%); highest among the groups gnomAD compares: South Asian, 0.0056%; no homozygotes.

Submissions (2):

Department of Pathology and Laboratory Medicine, Sinai Health System
Classification: Likely pathogenic for Microcephaly 8, primary, autosomal recessive. Last evaluated: 2023-02-05. Review status: criteria provided, single submitter. Criteria: ACMG Guidelines, 2015. Collection method: research. Allele origin: germline.

Igenomix - Part of Vitrolife Group, Igenomix
Classification: Likely pathogenic for Microcephaly 8, primary, autosomal recessive. Review status: criteria provided, single submitter. Criteria: ACMG Guidelines, 2015. Collection method: clinical testing. Allele origin: germline. Inheritance: Autosomal recessive inheritance. Affected: no.
Comment: This NM_025009.5:c.473-1G>C variant results in the 3' splice site variant that affects the invariant AG splice acceptor site in intron 4/25 of the CEP135 gene. In silico tools like dbscSNV Ada and Splice AI predict a likely disruption of the consensus splice site. This variant is found in the general population with an overall allele frequency of 0.000004346 (7/1610572 alleles; 0 homozygotes) in the gnomAD v4.1.0. To our knowledge, no experimental evidence demonstrating an impact on protein function has been reported. Based on the evidence outlined above, the variant was classified as likely pathogenic. This variant was detected in the heterozygous state through carrier screening.